The following is an entry in ClinVar:

ClinVar aggregate classification (germline): Likely benign. Review status: criteria provided, multiple submitters, no conflicts (2 of 4 stars). 5 submissions from 5 submitters: Likely benign (3). 2 of the submissions do not count toward it. Last evaluated 2026-01-05.

Conditions:
DST-related disorder. Also called: DST-related condition; DST-related disorders.
Epidermolysis bullosa simplex 3, localized or generalized intermediate, with BP230 deficiency (EBS3). Also called: Epidermolysis bullosa simplex, autosomal recessive 2; Epidermolysis bullosa simplex due to BP230 deficiency. Identifiers: Orphanet 412181, MedGen C3809470, MONDO:0014180, OMIM 615425.
Hereditary sensory and autonomic neuropathy type 6. Also called: HSAN VI; Neuropathy, hereditary sensory and autonomic, type VI. Identifiers: Orphanet 314381, MedGen C3539003, MONDO:0013839, OMIM 614653.

Allele frequency attached by ClinVar (database versions not stated): ESP Exome Variant Server 0.00092; gnomAD 0.00170 and 0.00182; 1000 Genomes Project 0.00200; TOPMed 0.00231; 1000 Genomes Project 30x 0.00265; gnomAD exomes 0.00037; ExAC 0.00042.
gnomAD v4.1: 490 of 1,613,892 alleles (0.03%); highest among the groups gnomAD compares: African/African-American, 0.52%; no homozygotes.

Submissions (5):

Labcorp Genetics (formerly Invitae), Labcorp
Classification: Likely benign for Epidermolysis bullosa simplex 3, localized or generalized intermediate, with BP230 deficiency; Hereditary sensory and autonomic neuropathy type 6. Last evaluated: 2026-01-05. Review status: criteria provided, single submitter. Criteria: Invitae Variant Classification Sherloc (09022015). Collection method: clinical testing. Allele origin: germline.

PreventionGenetics, part of Exact Sciences
Classification: Likely benign for DST-related condition. Last evaluated: 2025-02-19. Review status: criteria provided, single submitter. Criteria: ACMG Guidelines, 2015. Collection method: clinical testing. Allele origin: germline.
Comment: This variant is classified as likely benign based on ACMG/AMP sequence variant interpretation guidelines (Richards et al. 2015 PMID: 25741868, with internal and published modifications).

GeneDx
Classification: Likely benign. Last evaluated: 2022-09-10. Review status: criteria provided, single submitter. Criteria: GeneDx Variant Classification Process June 2021. Collection method: clinical testing. Allele origin: germline. Affected: yes.
Comment: In silico analysis supports that this missense variant does not alter protein structure/function; Has not been previously published as pathogenic or benign to our knowledge

Clinical Genetics DNA and cytogenetics Diagnostics Lab, Erasmus MC, Erasmus Medical Center
Classification: Uncertain significance. Review status: no assertion criteria provided. Collection method: clinical testing. Allele origin: germline. Affected: yes. Study: VKGL Data-share Consensus. Not counted in ClinVar's aggregate classification.

Clinical Genetics, Academic Medical Center
Classification: Uncertain significance. Review status: no assertion criteria provided. Collection method: clinical testing. Allele origin: germline. Affected: yes. Study: VKGL Data-share Consensus. Not counted in ClinVar's aggregate classification.

NM_001723.7(DST):c.4961C>T (p.Ala1654Val)

Gene: DST (dystonin; minus strand). Cytogenetic location: 6p12.1.
Variant type: single nucleotide variant.
Coding change: c.4961C>T on transcript NM_001723.7 (MANE Plus Clinical); coding-DNA position 4961, C replaced by T.
Protein change: p.Ala1654Val; replaces alanine 1654 with valine.
Molecular consequence: missense variant. On other transcripts: intron variant (10).
Genome position (GRCh38, 1-based): chr6:56,619,073, G>A on the plus strand (C>T on the coding strand, the complement: DST is on the minus strand). VCF-style: chr6-56619073-G-A. GRCh37 (hg19) VCF-style: chr6-56483871-G-A.
Other names: c.4831-4589C>T (NM_001144769.5); c.4930-4589C>T (NM_001374722.1, NM_001374736.1); c.4957-4589C>T (NM_001374734.1); c.4417-4589C>T (NM_001144770.2); c.4297-4589C>T (NM_001374730.1, NM_001386100.1, NM_183380.4 and 1 more transcripts); c.3319-4589C>T (NM_015548.5); short protein forms A1654V.
Identifiers: ClinVar variation 474528 (VCV000474528.16), dbSNP rs150229184, ClinGen allele CA3870448.